The following is an entry in ClinVar:

ClinVar aggregate classification (germline): Uncertain significance (1 of 4 stars; one submission).

Conditions:
Alzheimer disease. Also called: Presenile and senile dementia; Alzheimer's disease. Identifiers: Orphanet 1020, MedGen C0002395, MeSH D000544, MONDO:0004975, HP:0002511.

Allele frequency attached by ClinVar (database versions not stated): gnomAD 0.00001; ExAC 0.00002; gnomAD exomes 0.00003; TOPMed 0.00003.
gnomAD v4.1: 45 of 1,613,574 alleles (0.0028%); highest among the groups gnomAD compares: Non-Finnish European, 0.0033%; no homozygotes.

Submission:

Labcorp Genetics (formerly Invitae), Labcorp
Classification: Uncertain significance for Alzheimer disease. Last evaluated: 2022-02-06. Review status: criteria provided, single submitter. Criteria: Invitae Variant Classification Sherloc (09022015). Collection method: clinical testing. Allele origin: germline.
Comment: This sequence change replaces threonine, which is neutral and polar, with methionine, which is neutral and non-polar, at codon 663 of the APP protein (p.Thr663Met). This variant is present in population databases (rs200260102, gnomAD 0.003%). This missense change has been observed in individual(s) with clinical features of APP-related conditions (PMID: 25604855). Algorithms developed to predict the effect of missense changes on protein structure and function are either unavailable or do not agree on the potential impact of this missense change (SIFT: "Deleterious"; PolyPhen-2: "Benign"; Align-GVGD: "Class C0"). In summary, the available evidence is currently insufficient to determine the role of this variant in disease. Therefore, it has been classified as a Variant of Uncertain Significance.

Literature cited by the submitters: PubMed 25604855.

NM_000484.4(APP):c.1988C>T (p.Thr663Met)

Gene: APP (amyloid beta precursor protein; minus strand). Cytogenetic location: 21q21.3.
Variant type: single nucleotide variant.
Coding change: c.1988C>T on transcript NM_000484.4 (MANE Select); coding-DNA position 1988, C replaced by T.
Protein change: p.Thr663Met; replaces threonine 663 with methionine.
Molecular consequence: missense variant.
Genome position (GRCh38, 1-based): chr21:25,897,649, G>A on the plus strand (C>T on the coding strand, the complement: APP is on the minus strand). VCF-style: chr21-25897649-G-A. GRCh37 (hg19) VCF-style: chr21-27269961-G-A.
Other names: c.1916C>T, p.Thr639Met (NM_001136016.3); c.1595C>T, p.Thr532Met (NM_001136129.3); c.1820C>T, p.Thr607Met (NM_001136130.3, NM_001385253.1); c.1658C>T, p.Thr553Met (NM_001136131.3); c.1934C>T, p.Thr645Met (NM_001204301.2); c.1877C>T, p.Thr626Met (NM_001204302.2); c.1709C>T, p.Thr570Met (NM_001204303.2); c.1931C>T, p.Thr644Met (NM_201413.3); and 1 more; short protein forms T644M, T570M, T626M, T663M, T532M, T553M, T607M, T645M.
Identifiers: ClinVar variation 1936601 (VCV001936601.5), dbSNP rs200260102, ClinGen allele CA9987104.